The following is an entry in ClinVar:

NM_015161.3(ARL6IP1):c.440C>T (p.Ala147Val)

Gene: ARL6IP1 (ARL6 interacting reticulophagy regulator 1; minus strand). Cytogenetic location: 16p12.3.
Variant type: single nucleotide variant.
Coding change: c.440C>T on transcript NM_015161.3 (MANE Select); coding-DNA position 440, C replaced by T.
Protein change: p.Ala147Val; replaces alanine 147 with valine.
Molecular consequence: missense variant.
Genome position (GRCh38, 1-based): chr16:18,794,652, G>A on the plus strand (C>T on the coding strand, the complement: ARL6IP1 is on the minus strand). VCF-style: chr16-18794652-G-A. GRCh37 (hg19) VCF-style: chr16-18805974-G-A.
Other names: c.353C>T, p.Ala118Val (NM_001313858.1); short protein forms A118V, A147V.
Identifiers: ClinVar variation 2057371 (VCV002057371.4), dbSNP rs1461337328, ClinGen allele CA394908673.

ClinVar aggregate classification (germline): Uncertain significance (1 of 4 stars; one submission).

Conditions:
Hereditary spastic paraplegia 61. Also called: Spastic paraplegia 61, autosomal recessive. Identifiers: Orphanet 401780, MedGen C3810294, MONDO:0014304, OMIM 615685.

Allele frequency attached by ClinVar (database versions not stated): gnomAD 0.00001; TOPMed 0.00001; gnomAD exomes 0.00001.
gnomAD v4.1: 18 of 1,612,940 alleles (0.0011%); highest among the groups gnomAD compares: African/African-American, 0.0053%; no homozygotes.

Submission:

Labcorp Genetics (formerly Invitae), Labcorp
Classification: Uncertain significance for Hereditary spastic paraplegia 61. Last evaluated: 2023-07-17. Review status: criteria provided, single submitter. Criteria: Invitae Variant Classification Sherloc (09022015). Collection method: clinical testing. Allele origin: germline.
Comment: This sequence change replaces alanine, which is neutral and non-polar, with valine, which is neutral and non-polar, at codon 147 of the ARL6IP1 protein (p.Ala147Val). This variant is present in population databases (no rsID available, gnomAD 0.004%). This variant has not been reported in the literature in individuals affected with ARL6IP1-related conditions. ClinVar contains an entry for this variant (Variation ID: 2057371). Experimental studies and prediction algorithms are not available or were not evaluated, and the functional significance of this variant is currently unknown. In summary, the available evidence is currently insufficient to determine the role of this variant in disease. Therefore, it has been classified as a Variant of Uncertain Significance.